The following is an entry in ClinVar:

ClinVar aggregate classification (germline): Uncertain significance (1 of 4 stars; one submission).

Submission:

Labcorp Genetics (formerly Invitae), Labcorp
Classification: Uncertain significance. Last evaluated: 2024-04-10. Review status: criteria provided, single submitter. Criteria: Invitae Variant Classification Sherloc (09022015). Collection method: clinical testing. Allele origin: germline.
Comment: This sequence change affects codon 272 of the KAT6A mRNA. It is a 'silent' change, meaning that it does not change the encoded amino acid sequence of the KAT6A protein. This variant is not present in population databases (gnomAD no frequency). This variant has not been reported in the literature in individuals affected with KAT6A-related conditions. Algorithms developed to predict the effect of sequence changes on RNA splicing suggest that this variant may create or strengthen a splice site. In summary, the available evidence is currently insufficient to determine the role of this variant in disease. Therefore, it has been classified as a Variant of Uncertain Significance.

NM_006766.5(KAT6A):c.816C>T (p.Gly272=)

Gene: KAT6A (lysine acetyltransferase 6A; minus strand). Cytogenetic location: 8p11.21.
Variant type: single nucleotide variant.
Coding change: c.816C>T on transcript NM_006766.5 (MANE Select); coding-DNA position 816, C replaced by T.
Protein change: p.Gly272=; no amino-acid change (glycine 272 retained).
Molecular consequence: synonymous variant.
Genome position (GRCh38, 1-based): chr8:41,981,848, G>A on the plus strand (C>T on the coding strand, the complement: KAT6A is on the minus strand). VCF-style: chr8-41981848-G-A. GRCh37 (hg19) VCF-style: chr8-41839366-G-A.
Other names: c.816C>T, p.Gly272= (NM_001305878.2).
Identifiers: ClinVar variation 3633242 (VCV003633242.2).
Genomic context (GRCh38, chr8:41,981,848, plus strand): 5'-TACATTCTACTACTAAATGAAACACCCATATTAGAAGGCAGAGATACTCACCGCATTTTT[G>A]CCTTGATCTCGACAGGAGCTGCATGTTTTACACTCGATGCACTGCCACCGTAAGGCCTTC-3'
Protein context (NP_006757.2, residues 262-282): CKTCSSCRDQ[Gly272=]KNADNMLFCD